The following is an entry in ClinVar:

ClinVar aggregate classification (germline): Uncertain significance (1 of 4 stars; one submission).

Allele frequency attached by ClinVar (database versions not stated): gnomAD exomes below 0.00001; ExAC 0.00001.
gnomAD v4.1: 2 of 1,613,986 alleles (0.00012%); highest among the groups gnomAD compares: Admixed American, 0.0033%; no homozygotes.

Submission:

GeneDx
Classification: Uncertain significance. Last evaluated: 2023-05-03. Review status: criteria provided, single submitter. Criteria: GeneDx Variant Classification Process June 2021. Collection method: clinical testing. Allele origin: germline. Affected: yes.
Comment: Not observed at significant frequency in large population cohorts (gnomAD); In silico analysis supports that this missense variant has a deleterious effect on protein structure/function; Has not been previously published as pathogenic or benign to our knowledge

NM_001134831.2(AHI1):c.542A>C (p.Asp181Ala)

Gene: AHI1 (Abelson helper integration site 1; minus strand). Cytogenetic location: 6q23.3.
Variant type: single nucleotide variant.
Coding change: c.542A>C on transcript NM_001134831.2 (MANE Select); coding-DNA position 542, A replaced by C.
Protein change: p.Asp181Ala; replaces aspartic acid 181 with alanine.
Molecular consequence: missense variant.
Genome position (GRCh38, 1-based): chr6:135,466,021, T>G on the plus strand (A>C on the coding strand, the complement: AHI1 is on the minus strand). VCF-style: chr6-135466021-T-G. GRCh37 (hg19) VCF-style: chr6-135787159-T-G.
Other names: c.542A>C, p.Asp181Ala (NM_001134830.2, NM_001134832.2, NM_001350503.2 and 2 more transcripts); short protein forms D181A.
Identifiers: ClinVar variation 2663448 (VCV002663448.1), dbSNP rs766795439, ClinGen allele CA4012812.